The following is an entry in ClinVar:

NM_000368.5(TSC1):c.356G>A (p.Cys119Tyr)

Gene: TSC1 (TSC complex subunit 1; minus strand). Cytogenetic location: 9q34.13.
Variant type: single nucleotide variant.
Coding change: c.356G>A on transcript NM_000368.5 (MANE Select); coding-DNA position 356, G replaced by A.
Protein change: p.Cys119Tyr; replaces cysteine 119 with tyrosine.
Molecular consequence: missense variant. On other transcripts: 5 prime UTR variant (1), intron variant (1).
Genome position (GRCh38, 1-based): chr9:132,925,594, C>T on the plus strand (G>A on the coding strand, the complement: TSC1 is on the minus strand). VCF-style: chr9-132925594-C-T. GRCh37 (hg19) VCF-style: chr9-135800981-C-T.
Other names: c.356G>A, p.Cys119Tyr (NM_001162426.2); c.-8G>A (NM_001362177.2); c.210+1607G>A (NM_001162427.2); short protein forms C119Y.
Identifiers: ClinVar variation 664391 (VCV000664391.11), dbSNP rs1554820265, ClinGen allele CA375374314.

ClinVar aggregate classification (germline): Conflicting classifications of pathogenicity. Review status: criteria provided, conflicting classifications (1 of 4 stars). 2 submissions from 2 submitters: Uncertain significance (1); Likely benign (1). Last evaluated 2025-06-24.

Conditions:
Tuberous sclerosis 1 (TSC1). Identifiers: Orphanet 805, MedGen C1854465, MONDO:0008612, OMIM 191100.
Hereditary cancer-predisposing syndrome. Also called: Neoplastic Syndromes, Hereditary; Hereditary neoplastic syndrome; Tumor predisposition; Hereditary Cancer Syndrome. Identifiers: Orphanet 140162, MedGen C0027672, MeSH D009386, MONDO:0015356.

Allele frequency attached by ClinVar (database versions not stated): gnomAD exomes below 0.00001; TOPMed below 0.00001.
gnomAD v4.1: 1 of 1,614,204 alleles (0.000062%); highest among the groups gnomAD compares: Non-Finnish European, 0.000085%; no homozygotes.

Submissions (2):

Labcorp Genetics (formerly Invitae), Labcorp
Classification: Likely benign for Tuberous sclerosis 1. Last evaluated: 2025-06-24. Review status: criteria provided, single submitter. Criteria: Invitae Variant Classification Sherloc (09022015). Collection method: clinical testing. Allele origin: germline.

Ambry Genetics
Classification: Uncertain significance for Hereditary cancer-predisposing syndrome. Last evaluated: 2024-12-18. Review status: criteria provided, single submitter. Criteria: Ambry Variant Classification Scheme 2023. Collection method: clinical testing. Allele origin: germline.
Comment: The p.C119Y variant (also known as c.356G>A), located in coding exon 3 of the TSC1 gene, results from a G to A substitution at nucleotide position 356. The cysteine at codon 119 is replaced by tyrosine, an amino acid with highly dissimilar properties. This amino acid position is well conserved in available vertebrate species. In addition, this alteration is predicted to be deleterious by in silico analysis. Based on the available evidence, the clinical significance of this variant remains unclear.